The following is an entry in ClinVar:

NM_004380.3(CREBBP):c.5877T>C (p.Ala1959=)

Gene: CREBBP (CREB binding lysine acetyltransferase; minus strand). Cytogenetic location: 16p13.3.
Variant type: single nucleotide variant.
Coding change: c.5877T>C on transcript NM_004380.3 (MANE Select); coding-DNA position 5877, T replaced by C.
Protein change: p.Ala1959=; no amino-acid change (alanine 1959 retained).
Molecular consequence: synonymous variant.
Genome position (GRCh38, 1-based): chr16:3,729,170, A>G on the plus strand (T>C on the coding strand, the complement: CREBBP is on the minus strand). VCF-style: chr16-3729170-A-G. GRCh37 (hg19) VCF-style: chr16-3779171-A-G.
Other names: c.5763T>C, p.Ala1921= (NM_001079846.1).
Identifiers: ClinVar variation 3730640 (VCV003730640.3).
Genomic context (GRCh38, chr16:3,729,170, plus strand): 5'-GTTGTTGATGTTCACCCGGTACAGGTGCTGCTGCTGCTGGGCCTCACGCTCGATCTGCCG[A>G]GCCGCTTCCACCGCTGCAGGAGGGGGCTGGGCCGGGGGTGGGGGGGCCGGCACCTGGCTG-3'
Protein context (NP_004371.2, residues 1949-1969): AQPPPAAVEA[Ala1959=]RQIEREAQQQ

ClinVar aggregate classification (germline): Likely benign. Review status: criteria provided, multiple submitters, no conflicts (2 of 4 stars). 2 submissions from 2 submitters: Likely benign (2). Last evaluated 2026-08-01.

Conditions:
Rubinstein-Taybi syndrome (RSTS). Identifiers: Orphanet 783, MedGen C0035934, MONDO:0019188.

gnomAD v4.1: 1 of 1,224,838 alleles (0.000082%); highest among the groups gnomAD compares: Admixed American, 0.0024%; no homozygotes.

Submissions (2):

CeGaT Center for Human Genetics Tuebingen
Classification: Likely benign. Last evaluated: 2026-08-01. Review status: criteria provided, single submitter. Criteria: CeGaT Center For Human Genetics Tuebingen Variant Classification Criteria Version 2. Collection method: clinical testing. Allele origin: germline. Affected: yes. Observed: 1 variant allele.
Comment: CREBBP: BP4, BP7

Labcorp Genetics (formerly Invitae), Labcorp
Classification: Likely benign for Rubinstein-Taybi syndrome. Last evaluated: 2025-02-03. Review status: criteria provided, single submitter. Criteria: Invitae Variant Classification Sherloc (09022015). Collection method: clinical testing. Allele origin: germline.